The following is an entry in ClinVar:

ClinVar aggregate classification (germline): Pathogenic/Likely pathogenic. Review status: criteria provided, multiple submitters, no conflicts (2 of 4 stars). 6 submissions from 6 submitters: Pathogenic (4); Likely pathogenic (2). Last evaluated 2025-12-01.

Conditions:
Familial cancer of breast. Also called: BREAST CANCER, FAMILIAL; Hereditary breast cancer; hereditary breast carcinoma. Identifiers: Orphanet 227535, MedGen C0346153, MONDO:0016419, OMIM 114480. Disease mechanism: loss of function.
Pancreatic cancer, susceptibility to, 3. Identifiers: Orphanet 1333, MedGen C3150547, MONDO:0013236, OMIM 613348.
Fanconi anemia complementation group N. Also called: PALB2-Related Fanconi Anemia. Identifiers: Orphanet 84, MedGen C1835817, MONDO:0012565, OMIM 610832. Disease mechanism: loss of function.
Breast-ovarian cancer, familial, susceptibility to, 5 (BROVCA5). Identifiers: MedGen C5830615, MONDO:0957530, OMIM 620442.
Hereditary cancer-predisposing syndrome. Also called: Hereditary neoplastic syndrome; Neoplastic Syndromes, Hereditary; Tumor predisposition; Hereditary Cancer Syndrome. Identifiers: Orphanet 140162, MedGen C0027672, MeSH D009386, MONDO:0015356.

Submissions (6):

KCCC/NGS Laboratory, Kuwait Cancer Control Center
Classification: Pathogenic for Breast-ovarian cancer, familial, susceptibility to, 5. Last evaluated: 2025-12-01. Review status: criteria provided, single submitter. Criteria: ACMG Guidelines, 2015. Collection method: clinical testing. Allele origin: germline. Inheritance: Autosomal dominant inheritance. Affected: yes.
Comment: A known pathogenic variant.

Labcorp Genetics (formerly Invitae), Labcorp
Classification: Pathogenic for Familial cancer of breast. Last evaluated: 2025-10-06. Review status: criteria provided, single submitter. Criteria: Invitae Variant Classification Sherloc (09022015). Collection method: clinical testing. Allele origin: germline.
Comment: This sequence change creates a premature translational stop signal (p.Ser395Leufs*29) in the PALB2 gene. It is expected to result in an absent or disrupted protein product. Loss-of-function variants in PALB2 are known to be pathogenic (PMID: 17200668, 17200671, 17200672, 24136930, 25099575). This variant is not present in population databases (gnomAD no frequency). This variant has not been reported in the literature in individuals affected with PALB2-related conditions. ClinVar contains an entry for this variant (Variation ID: 480259). For these reasons, this variant has been classified as Pathogenic.

Fulgent Genetics
Classification: Likely pathogenic for Fanconi anemia complementation group N; Pancreatic cancer, susceptibility to, 3; Breast-ovarian cancer, familial, susceptibility to, 5. Last evaluated: 2024-06-21. Review status: criteria provided, single submitter. Criteria: ACMG Guidelines, 2015. Collection method: clinical testing. Allele origin: germline.

Myriad Genetics, Inc.
Classification: Pathogenic for Familial cancer of breast. Last evaluated: 2023-09-08. Review status: criteria provided, single submitter. Criteria: Myriad Autosomal Dominant, Autosomal Recessive and X-Linked Classification Criteria (2023). Collection method: clinical testing. Allele origin: unknown.
Comment: This variant is considered pathogenic. This variant creates a frameshift predicted to result in premature protein truncation.

Ambry Genetics
Classification: Pathogenic for Hereditary cancer-predisposing syndrome. Last evaluated: 2023-08-07. Review status: criteria provided, single submitter. Criteria: Ambry Variant Classification Scheme 2023. Collection method: clinical testing. Allele origin: germline.
Comment: The c.1183delT pathogenic mutation, located in coding exon 4 of the PALB2 gene, results from a deletion of one nucleotide at nucleotide position 1183, causing a translational frameshift with a predicted alternate stop codon (p.S395Lfs*29). This alteration is expected to result in loss of function by premature protein truncation or nonsense-mediated mRNA decay. As such, this alteration is interpreted as a disease-causing mutation.

GeneDx
Classification: Likely pathogenic. Last evaluated: 2017-10-09. Review status: criteria provided, single submitter. Criteria: GeneDx Variant Classification (06012015). Collection method: clinical testing. Allele origin: germline. Affected: yes.
Comment: This deletion of one nucleotide in PALB2 is denoted c.1183delT at the cDNA level and p.Ser395LeufsX29 (S395LfsX29) at the protein level. The normal sequence, with the base that is deleted in brackets, is ACAT[delT]CTTG. The deletion causes a frameshift which changes a Serine to a Leucine at codon 395, and creates a premature stop codon at position 29 of the new reading frame. Although this variant has not, to our knowledge, been reported in the literature, it is predicted to cause loss of normal protein function through either protein truncation or nonsense-mediated mRNA decay. Based on the currently available information, we consider this deletion to be a likely pathogenic variant.

Literature cited by the submitters: PubMed 17200668 (cited by Labcorp Genetics (formerly Invitae), Labcorp); PubMed 17200671 (cited by Labcorp Genetics (formerly Invitae), Labcorp); PubMed 17200672 (cited by Labcorp Genetics (formerly Invitae), Labcorp); PubMed 24136930 (cited by Labcorp Genetics (formerly Invitae), Labcorp); PubMed 25099575 (cited by Labcorp Genetics (formerly Invitae), Labcorp).

NM_024675.4(PALB2):c.1183del (p.Ser395fs)

Gene: PALB2 (partner and localizer of BRCA2; minus strand). Cytogenetic location: 16p12.2.
Variant type: Deletion.
Coding change: c.1183del on transcript NM_024675.4 (MANE Select); coding-DNA position 1183, one base deleted (T; older notation c.1183delT).
Protein change: p.Ser395fs; shifts the reading frame from serine 395.
Molecular consequence: frameshift variant.
Genome position (GRCh38, 1-based): chr16:23,635,363, A deleted on the plus strand (T on the coding strand, the reverse complement: PALB2 is on the minus strand); the first of 2 consecutive A bases (chr16:23,635,363-23,635,364); deleting either gives the same sequence. VCF-style (leftmost placement, unchanged base first): chr16-23635362-GA-G. GRCh37 (hg19) VCF-style: chr16-23646683-GA-G.
Other names: c.1183delT (NM_024675.3); c.1183del (NM_024675.3); short protein forms S395fs.
Identifiers: ClinVar variation 480259 (VCV000480259.17), dbSNP rs1555461415, ClinGen allele CA658658428.
Genomic context (GRCh38, chr16:23,635,362, plus strand): 5'-CTTCGTGTTGTTCTAACATAATATTCTGCAGGAAACAGAAGGCCTTCAGGCACTGTGCAA[GA>G]ATGTTTTTCTGCAGAAAGAGGAGAGGTTGCTTCCAGGCTAAGACTCTTAGGTTGACTTAG-3'